The following is an entry in ClinVar:

NM_024577.4(SH3TC2):c.1823G>A (p.Ser608Asn)

Gene: SH3TC2 (SH3 domain and tetratricopeptide repeats 2; minus strand). Cytogenetic location: 5q32.
Variant type: single nucleotide variant.
Coding change: c.1823G>A on transcript NM_024577.4 (MANE Select); coding-DNA position 1823, G replaced by A.
Protein change: p.Ser608Asn; replaces serine 608 with asparagine.
Molecular consequence: missense variant.
Genome position (GRCh38, 1-based): chr5:149,027,909, C>T on the plus strand (G>A on the coding strand, the complement: SH3TC2 is on the minus strand). VCF-style: chr5-149027909-C-T. GRCh37 (hg19) VCF-style: chr5-148407472-C-T.
Other names: short protein forms S608N.
Identifiers: ClinVar variation 2129943 (VCV002129943.2), dbSNP rs2531773152, ClinGen allele CA361667655.

ClinVar aggregate classification (germline): Uncertain significance (1 of 4 stars; one submission).

Conditions:
Charcot-Marie-Tooth disease type 4. Also called: Charcot-Marie-Tooth disease, type IV; Charcot-Marie-Tooth, Type 4. Identifiers: Orphanet 64749, MedGen C4082197, MONDO:0018995.

Allele frequency attached by ClinVar (database versions not stated): gnomAD exomes below 0.00001.
gnomAD v4.1: 2 of 1,614,050 alleles (0.00012%); highest among the groups gnomAD compares: Non-Finnish European, 0.00017%; no homozygotes.

Submission:

Labcorp Genetics (formerly Invitae), Labcorp
Classification: Uncertain significance for Charcot-Marie-Tooth disease type 4. Last evaluated: 2022-04-24. Review status: criteria provided, single submitter. Criteria: Invitae Variant Classification Sherloc (09022015). Collection method: clinical testing. Allele origin: germline.
Comment: In summary, the available evidence is currently insufficient to determine the role of this variant in disease. Therefore, it has been classified as a Variant of Uncertain Significance. Advanced modeling of protein sequence and biophysical properties (such as structural, functional, and spatial information, amino acid conservation, physicochemical variation, residue mobility, and thermodynamic stability) performed at Invitae indicates that this missense variant is not expected to disrupt SH3TC2 protein function. This variant has not been reported in the literature in individuals affected with SH3TC2-related conditions. This variant is not present in population databases (gnomAD no frequency). This sequence change replaces serine, which is neutral and polar, with asparagine, which is neutral and polar, at codon 608 of the SH3TC2 protein (p.Ser608Asn).